The following is an entry in ClinVar:

ClinVar aggregate classification (germline): Uncertain significance (1 of 4 stars; one submission).

Conditions:
Mowat-Wilson syndrome (MOWS). Also called: Classic Mowat-Wilson Syndrome. Identifiers: Orphanet 2152, MedGen C1856113, MONDO:0009341, OMIM 235730.

Allele frequency attached by ClinVar (database versions not stated): gnomAD 0.00001; 1000 Genomes Project 30x 0.00016; 1000 Genomes Project 0.00020.
gnomAD v4.1: 2 of 1,613,560 alleles (0.00012%); highest among the groups gnomAD compares: African/African-American, 0.0013%; no homozygotes.

Submission:

Labcorp Genetics (formerly Invitae), Labcorp
Classification: Uncertain significance for Mowat-Wilson syndrome. Last evaluated: 2024-01-24. Review status: criteria provided, single submitter. Criteria: Invitae Variant Classification Sherloc (09022015). Collection method: clinical testing. Allele origin: germline.
Comment: This sequence change replaces proline, which is neutral and non-polar, with leucine, which is neutral and non-polar, at codon 4 of the ZEB2 protein (p.Pro4Leu). The frequency data for this variant in the population databases is considered unreliable, as metrics indicate poor data quality at this position in the gnomAD database. This variant has not been reported in the literature in individuals affected with ZEB2-related conditions. ClinVar contains an entry for this variant (Variation ID: 839637). An algorithm developed to predict the effect of missense changes on protein structure and function (PolyPhen-2) suggests that this variant is likely to be tolerated. In summary, the available evidence is currently insufficient to determine the role of this variant in disease. Therefore, it has been classified as a Variant of Uncertain Significance.

NM_014795.4(ZEB2):c.11C>T (p.Pro4Leu)

Gene: ZEB2 (zinc finger E-box binding homeobox 2; minus strand). Cytogenetic location: 2q22.3.
Variant type: single nucleotide variant.
Coding change: c.11C>T on transcript NM_014795.4 (MANE Select); coding-DNA position 11, C replaced by T.
Protein change: p.Pro4Leu; replaces proline 4 with leucine.
Molecular consequence: missense variant. On other transcripts: non-coding transcript variant (1).
Genome position (GRCh38, 1-based): chr2:144,517,340, G>A on the plus strand (C>T on the coding strand, the complement: ZEB2 is on the minus strand). VCF-style: chr2-144517340-G-A. GRCh37 (hg19) VCF-style: chr2-145274907-G-A.
Other names: c.11C>T, p.Pro4Leu (NM_001171653.2); short protein forms P4L.
Identifiers: ClinVar variation 839637 (VCV000839637.10), dbSNP rs577362409, ClinGen allele CA1898723.